The following is an entry in ClinVar:

NM_001135629.3(PPP1R21):c.1386G>C (p.Leu462=)

Gene: PPP1R21 (protein phosphatase 1 regulatory subunit 21; plus strand). Cytogenetic location: 2p16.3.
Variant type: single nucleotide variant.
Coding change: c.1386G>C on transcript NM_001135629.3 (MANE Select); coding-DNA position 1386, G replaced by C.
Protein change: p.Leu462=; no amino-acid change (leucine 462 retained).
Molecular consequence: synonymous variant. On other transcripts: non-coding transcript variant (1).
Genome position (GRCh38, 1-based): chr2:48,486,698, G>C. VCF-style: chr2-48486698-G-C. GRCh37 (hg19) VCF-style: chr2-48713837-G-C.
Other names: c.1386G>C, p.Leu462= (NM_001193475.2, NM_152994.5).
Identifiers: ClinVar variation 4534840 (VCV004534840.6).
Genomic context (GRCh38, chr2:48,486,698, plus strand): 5'-CAAACATTATAGTCAAAAAGCTGCAATAGAGCATGAACTTCCAACAGCAACACAGAAGCT[G>C]ATAACAACTAATGACTGTATCCTGTCATCAGTAGTGGCATTAACAAATGGAGCAGGAAAG-3'
Protein context (NP_001129101.1, residues 452-472): EHELPTATQK[Leu462=]ITTNDCILSS

ClinVar aggregate classification (germline): Likely benign (1 of 4 stars; one submission).

gnomAD v4.1: 3 of 1,613,790 alleles (0.00019%); highest among the groups gnomAD compares: African/African-American, 0.004%; no homozygotes.

Submission:

CeGaT Center for Human Genetics Tuebingen
Classification: Likely benign. Last evaluated: 2025-10-01. Review status: criteria provided, single submitter. Criteria: CeGaT Center For Human Genetics Tuebingen Variant Classification Criteria Version 2. Collection method: clinical testing. Allele origin: germline. Affected: yes. Observed: 1 variant allele.
Comment: PPP1R21: BP4, BP7